The following is an entry in ClinVar:

NM_000523.4(HOXD13):c.584G>A (p.Gly195Asp)

Gene: HOXD13 (homeobox D13; plus strand). Cytogenetic location: 2q31.1.
Variant type: single nucleotide variant.
Coding change: c.584G>A on transcript NM_000523.4 (MANE Select); coding-DNA position 584, G replaced by A.
Protein change: p.Gly195Asp; replaces glycine 195 with aspartic acid.
Molecular consequence: missense variant.
Genome position (GRCh38, 1-based): chr2:176,093,474, G>A. VCF-style: chr2-176093474-G-A. GRCh37 (hg19) VCF-style: chr2-176958202-G-A.
Other names: short protein forms G195D.
Identifiers: ClinVar variation 3345953 (VCV003345953.1).
Genomic context (GRCh38, chr2:176,093,474, plus strand): 5'-GCAGCAGCGTACCGGCCAACGAGGTGCCAGCGCGAGCCAAGGAGGTATCCTTCTACCAGG[G>A]CTATACGAGCCCTTACCAGCACGTGCCCGGCTATATCGACATGGTGTCCACTTTCGGCTC-3'
Protein context (NP_000514.2, residues 185-205): ARAKEVSFYQ[Gly195Asp]YTSPYQHVPG

ClinVar aggregate classification (germline): Uncertain significance (0 of 4 stars; one submission).

Conditions:
HOXD13-related disorder. Also called: HOXD13-related condition; HOXD13-related disorders.

Submission:

PreventionGenetics, part of Exact Sciences
Classification: Uncertain significance for HOXD13-related condition. Last evaluated: 2024-05-23. Review status: no assertion criteria provided. Collection method: clinical testing. Allele origin: germline.
Comment: The HOXD13 c.584G>A variant is predicted to result in the amino acid substitution p.Gly195Asp. To our knowledge, this variant has not been reported in the literature or in a large population database, indicating this variant is rare. At this time, the clinical significance of this variant is uncertain due to the absence of conclusive functional and genetic evidence.